The following is an entry in ClinVar:

ClinVar aggregate classification (germline): Uncertain significance (1 of 4 stars; one submission).

Conditions:
Glycogen storage disease IXd (GSD9D). Also called: Muscle Phosphorylase Kinase Deficiency; GSD IXd. Identifiers: Orphanet 715, MedGen C1845151, MONDO:0010362, OMIM 300559.

Submission:

Labcorp Genetics (formerly Invitae), Labcorp
Classification: Uncertain significance for Glycogen storage disease IXd. Last evaluated: 2026-01-25. Review status: criteria provided, single submitter. Criteria: Invitae Variant Classification Sherloc (09022015). Collection method: clinical testing. Allele origin: germline.
Comment: This sequence change replaces alanine, which is neutral and non-polar, with valine, which is neutral and non-polar, at codon 765 of the PHKA1 protein (p.Ala765Val). This variant is not present in population databases (gnomAD no frequency). This variant has not been reported in the literature in individuals affected with PHKA1-related conditions. Invitae Evidence Modeling of protein sequence and biophysical properties (such as structural, functional, and spatial information, amino acid conservation, physicochemical variation, residue mobility, and thermodynamic stability) indicates that this missense variant is not expected to disrupt PHKA1 protein function with a negative predictive value of 80%. In summary, the available evidence is currently insufficient to determine the role of this variant in disease. Therefore, it has been classified as a Variant of Uncertain Significance.

NM_002637.4(PHKA1):c.2294C>T (p.Ala765Val)

Gene: PHKA1 (phosphorylase kinase regulatory subunit alpha 1; minus strand). Cytogenetic location: Xq13.1.
Variant type: single nucleotide variant.
Coding change: c.2294C>T on transcript NM_002637.4 (MANE Select); coding-DNA position 2294, C replaced by T.
Protein change: p.Ala765Val; replaces alanine 765 with valine.
Molecular consequence: missense variant.
Genome position (GRCh38, 1-based): chrX:72,618,785, G>A on the plus strand (C>T on the coding strand, the complement: PHKA1 is on the minus strand). VCF-style: chrX-72618785-G-A. GRCh37 (hg19) VCF-style: chrX-71838635-G-A.
Other names: c.2294C>T, p.Ala765Val (NM_001122670.2, NM_001431068.1, NM_001440787.1); c.2117C>T, p.Ala706Val (NM_001172436.2, NM_001440788.1); short protein forms A706V, A765V.
Identifiers: ClinVar variation 4744853 (VCV004744853.1).